The following is an entry in ClinVar:

ClinVar aggregate classification (germline): Likely benign (1 of 4 stars; one submission).

Submission:

CeGaT Center for Human Genetics Tuebingen
Classification: Likely benign. Last evaluated: 2026-01-01. Review status: criteria provided, single submitter. Criteria: CeGaT Center For Human Genetics Tuebingen Variant Classification Criteria Version 2. Collection method: clinical testing. Allele origin: germline. Affected: yes. Observed: 1 variant allele.
Comment: IRF2BPL: BP4, BP7

NM_024496.4(IRF2BPL):c.1227C>T (p.Ser409=)

Gene: IRF2BPL (interferon regulatory factor 2 binding protein like; minus strand). Cytogenetic location: 14q24.3.
Variant type: single nucleotide variant.
Coding change: c.1227C>T on transcript NM_024496.4 (MANE Select); coding-DNA position 1227, C replaced by T.
Protein change: p.Ser409=; no amino-acid change (serine 409 retained).
Molecular consequence: synonymous variant.
Genome position (GRCh38, 1-based): chr14:77,026,566, G>A on the plus strand (C>T on the coding strand, the complement: IRF2BPL is on the minus strand). VCF-style: chr14-77026566-G-A. GRCh37 (hg19) VCF-style: chr14-77492909-G-A.
Identifiers: ClinVar variation 4821076 (VCV004821076.4).